The following is an entry in ClinVar:

NM_000169.3(GLA):c.928C>G (p.Leu310Val)

Genes: GLA (galactosidase alpha; minus strand), RPL36A-HNRNPH2 (RPL36A-HNRNPH2 readthrough; plus strand). Cytogenetic location: Xq22.1.
Variant type: single nucleotide variant.
Coding change: c.928C>G on transcript NM_000169.3 (MANE Select); coding-DNA position 928, C replaced by G.
Protein change: p.Leu310Val; replaces leucine 310 with valine.
Molecular consequence: missense variant. On other transcripts: non-coding transcript variant (3), intron variant (2).
Genome position (GRCh38, 1-based): chrX:101,398,441, G>C on the plus strand (C>G on the coding strand, the complement: GLA is on the minus strand). VCF-style: chrX-101398441-G-C. GRCh37 (hg19) VCF-style: chrX-100653429-G-C.
Other names: c.1051C>G, p.Leu351Val (NM_001406747.1); c.928C>G, p.Leu310Val (NM_001406748.1); c.300+2984G>C (NM_001199973.2); c.177+6619G>C (NM_001199974.2); short protein forms L310V, L351V.
Identifiers: ClinVar variation 4087586 (VCV004087586.2).

ClinVar aggregate classification (germline): Likely pathogenic (1 of 4 stars; one submission).

Conditions:
Fabry disease. Also called: ALPHA-GALACTOSIDASE A DEFICIENCY; ANDERSON-FABRY DISEASE; CERAMIDE TRIHEXOSIDASE DEFICIENCY; GLA DEFICIENCY; HEREDITARY DYSTOPIC LIPIDOSIS; Angiokeratoma corporis diffusum. Identifiers: Orphanet 324, MedGen C0002986, MONDO:0010526, OMIM 301500, HP:0001071. Disease mechanism: Fabry disease is due to inactivating mutations in the X-linked GLA gene resulting in deficiency of the enzyme Alpha Galactosidase-A., loss of function.

Submission:

Genomenon, Inc
Classification: Likely pathogenic for Fabry disease. Last evaluated: 2026-09-08. Review status: criteria provided, single submitter. Criteria: Genomenon Sequence Variant Interpretation Standards - Updated. Collection method: curation. Allele origin: germline. Affected: yes.
Comment: GLA p.Leu310Val (c.928C>G) is a missense variant that changes the amino acid at codon 310 from Leucine to Valine. This variant has been observed in at least one proband with clinical features consistent with Fabry disease (PMID:38374995;36123934). Functional or patient cell studies have been reported (PMID:36123934). The presence of pathogenic/likely pathogenic missense variant(s) at the same amino acid position indicates that this residue is likely important for protein function. It is absent or not present at a significant frequency in gnomAD. In silico models predict that this variant is possibly or probably damaging. In conclusion, we classify GLA p.Leu310Val (c.928C>G) as a likely pathogenic variant.

Literature cited by the submitters: PubMed 38374995; PubMed 36123934.